The following is an entry in ClinVar:

ClinVar aggregate classification (germline): Uncertain significance. Review status: criteria provided, multiple submitters, no conflicts (2 of 4 stars). 2 submissions from 2 submitters: Uncertain significance (2). Last evaluated 2025-10-29.

Conditions:
Inborn genetic diseases. Identifiers: MedGen C0950123, MeSH D030342.

Allele frequency attached by ClinVar (database versions not stated): gnomAD 0.00001; 1000 Genomes Project 0.00040; gnomAD exomes 0.00003; ExAC 0.00009; 1000 Genomes Project 30x 0.00031.
gnomAD v4.1: 50 of 1,613,964 alleles (0.0031%); highest among the groups gnomAD compares: South Asian, 0.054%; no homozygotes.

Submissions (2):

Ambry Genetics
Classification: Uncertain significance for Inborn genetic diseases. Last evaluated: 2025-10-29. Review status: criteria provided, single submitter. Criteria: Ambry Variant Classification Scheme 2023. Collection method: clinical testing. Allele origin: germline.

GeneDx
Classification: Uncertain significance. Last evaluated: 2023-03-13. Review status: criteria provided, single submitter. Criteria: GeneDx Variant Classification Process June 2021. Collection method: clinical testing. Allele origin: germline. Affected: yes.
Comment: Has not been previously published as pathogenic or benign to our knowledge; In silico analysis supports that this missense variant does not alter protein structure/function

NM_001379081.2(FREM1):c.1463G>A (p.Ser488Asn)

Gene: FREM1 (FRAS1 related extracellular matrix 1; minus strand). Cytogenetic location: 9p22.3.
Variant type: single nucleotide variant.
Coding change: c.1463G>A on transcript NM_001379081.2 (MANE Select); coding-DNA position 1463, G replaced by A.
Protein change: p.Ser488Asn; replaces serine 488 with asparagine.
Molecular consequence: missense variant. On other transcripts: non-coding transcript variant (2).
Genome position (GRCh38, 1-based): chr9:14,842,591, C>T on the plus strand (G>A on the coding strand, the complement: FREM1 is on the minus strand). VCF-style: chr9-14842591-C-T. GRCh37 (hg19) VCF-style: chr9-14842589-C-T.
Other names: c.1463G>A, p.Ser488Asn (NM_144966.7); short protein forms S488N.
Identifiers: ClinVar variation 2446082 (VCV002446082.2), dbSNP rs530016591, ClinGen allele CA4991229.
Genomic context (GRCh38, chr9:14,842,591, plus strand): 5'-TGACGGATGCTGTGATGGCCATCAAATATCCGGAAGACCACGAAGTCTTTGGTGGAGTCG[C>T]TGTCATCATGATGATAGCGAACAACTCCAGCCTGGAGGTCAGCCACGGTGAAGAGAAACC-3'
Protein context (NP_001366010.1, residues 478-498): AGVVRYHHDD[Ser488Asn]DSTKDFVVFR